The following is an entry in ClinVar:

NM_001134363.3(RBM20):c.170G>A (p.Gly57Asp)

Gene: RBM20 (RNA binding motif protein 20; plus strand). Cytogenetic location: 10q25.2.
Variant type: single nucleotide variant.
Coding change: c.170G>A on transcript NM_001134363.3 (MANE Select); coding-DNA position 170, G replaced by A.
Protein change: p.Gly57Asp; replaces glycine 57 with aspartic acid.
Molecular consequence: missense variant.
Genome position (GRCh38, 1-based): chr10:110,644,624, G>A. VCF-style: chr10-110644624-G-A. GRCh37 (hg19) VCF-style: chr10-112404382-G-A.
Other names: short protein forms G57D.
Identifiers: ClinVar variation 2180406 (VCV002180406.4), dbSNP rs2493192846, ClinGen allele CA378527941.

ClinVar aggregate classification (germline): Uncertain significance (1 of 4 stars; one submission).

Conditions:
Dilated cardiomyopathy 1DD (CMD1DD). Identifiers: Orphanet 154, MedGen C2750995, MONDO:0013168, OMIM 613172.

Allele frequency attached by ClinVar (database versions not stated): gnomAD exomes 0.00001.

Submission:

Labcorp Genetics (formerly Invitae), Labcorp
Classification: Uncertain significance for Dilated cardiomyopathy 1DD. Last evaluated: 2022-07-13. Review status: criteria provided, single submitter. Criteria: Invitae Variant Classification Sherloc (09022015). Collection method: clinical testing. Allele origin: germline.
Comment: This variant is not present in population databases (gnomAD no frequency). This sequence change replaces glycine, which is neutral and non-polar, with aspartic acid, which is acidic and polar, at codon 57 of the RBM20 protein (p.Gly57Asp). This variant has not been reported in the literature in individuals affected with RBM20-related conditions. Advanced modeling of protein sequence and biophysical properties (such as structural, functional, and spatial information, amino acid conservation, physicochemical variation, residue mobility, and thermodynamic stability) performed at Invitae indicates that this missense variant is not expected to disrupt RBM20 protein function. In summary, the available evidence is currently insufficient to determine the role of this variant in disease. Therefore, it has been classified as a Variant of Uncertain Significance.